The following is an entry in ClinVar:

ClinVar aggregate classification (germline): Uncertain significance (1 of 4 stars; one submission).

Conditions:
Cardiovascular phenotype. Identifiers: MedGen CN230736.

Allele frequency attached by ClinVar (database versions not stated): TOPMed below 0.00001.

Submission:

Ambry Genetics
Classification: Uncertain significance for Cardiovascular phenotype. Last evaluated: 2020-06-12. Review status: criteria provided, single submitter. Criteria: Ambry Variant Classification Scheme 2023. Collection method: clinical testing. Allele origin: germline.
Comment: The p.G134S variant (also known as c.400G>A), located in coding exon 1 of the ALPK3 gene, results from a G to A substitution at nucleotide position 400. The glycine at codon 134 is replaced by serine, an amino acid with similar properties. This amino acid position is not well conserved in available vertebrate species, and serine is the reference amino acid in other vertebrate species. In addition, this alteration is predicted to be tolerated by in silico analysis. Since supporting evidence is limited at this time, the clinical significance of this alteration remains unclear.

NM_020778.4(ALPK3):c.400G>A (p.Gly134Ser)

Gene: ALPK3 (alpha kinase 3; plus strand). Cytogenetic location: 15q25.3.
Variant type: single nucleotide variant.
Coding change: c.400G>A on transcript NM_020778.4; coding-DNA position 400, G replaced by A.
Protein change: p.Gly134Ser; replaces glycine 134 with serine.
Genome position (GRCh38, 1-based): chr15:84,817,246, G>A. VCF-style: chr15-84817246-G-A. GRCh37 (hg19) VCF-style: chr15-85360477-G-A.
Other names: short protein forms G134S.
Identifiers: ClinVar variation 1737006 (VCV001737006.2), dbSNP rs956465691, ClinGen allele CA273650970.